The following is an entry in ClinVar:

NM_000198.4(HSD3B2):c.1055_1056delinsAA (p.Thr352Lys)

Gene: HSD3B2 (hydroxy-delta-5-steroid dehydrogenase, 3 beta- and steroid delta-isomerase 2; plus strand). Cytogenetic location: 1p12.
Variant type: Indel.
Coding change: c.1055_1056delinsAA on transcript NM_000198.4 (MANE Select); coding-DNA positions 1055 to 1056, CC replaced by AA.
Protein change: p.Thr352Lys; replaces threonine 352 with lysine.
Molecular consequence: missense variant.
Genome position (GRCh38, 1-based): chr1:119,422,556-119,422,557, CC replaced by AA. VCF-style: chr1-119422556-CC-AA. GRCh37 (hg19) VCF-style: chr1-119965179-CC-AA.
Other names: c.1055_1056delinsAA, p.Thr352Lys (NM_001166120.2); short protein forms T352K.
Identifiers: ClinVar variation 1028127 (VCV001028127.2), dbSNP rs1651920667, ClinGen allele CA1192293342.

ClinVar aggregate classification (germline): Uncertain significance. Review status: criteria provided, multiple submitters, no conflicts (2 of 4 stars). 2 submissions from 2 submitters: Uncertain significance (2). Last evaluated 2025-09-10.

Conditions:
3 beta-Hydroxysteroid dehydrogenase deficiency. Also called: 3-BETA-HSD DEFICIENCY; ADRENAL HYPERPLASIA II; ADRENAL HYPERPLASIA, CONGENITAL, DUE TO 3-BETA-HYDROXYSTEROID DEHYDROGENASE 2 DEFICIENCY; Congenital adrenal hyperplasia due to 3-beta-hydroxysteroid dehydrogenase deficiency; 3b-hydroxysteroid dehydrogenase deficiency. Identifiers: Orphanet 90791, MedGen C0342471, MeSH C538236, MONDO:0008727, OMIM 201810. Disease mechanism: loss of function.

Submissions (2):

Genomic Medicine Center of Excellence, King Faisal Specialist Hospital and Research Centre
Classification: Uncertain significance for 3 beta-Hydroxysteroid dehydrogenase deficiency. Last evaluated: 2025-09-10. Review status: criteria provided, single submitter. Criteria: ACMG Guidelines, 2015. Collection method: clinical testing. Allele origin: germline.

Baylor Genetics
Classification: Uncertain significance for 3 beta-Hydroxysteroid dehydrogenase deficiency. Last evaluated: 2020-08-12. Review status: criteria provided, single submitter. Criteria: ACMG Guidelines, 2015. Collection method: clinical testing. Allele origin: unknown. Affected: yes.
Comment: This variant was determined to be of uncertain significance according to ACMG Guidelines, 2015 [PMID:25741868].